The following is an entry in ClinVar:

ClinVar aggregate classification (germline): Likely benign. Review status: criteria provided, multiple submitters, no conflicts (2 of 4 stars). 3 submissions from 3 submitters: Likely benign (3). Last evaluated 2026-09-01.

Allele frequency attached by ClinVar (database versions not stated): ExAC 0.00002.
gnomAD v4.1: 40 of 1,613,776 alleles (0.0025%); highest among the groups gnomAD compares: Admixed American, 0.022%; 1 homozygote.

Submissions (3):

CeGaT Center for Human Genetics Tuebingen
Classification: Likely benign. Last evaluated: 2026-09-01. Review status: criteria provided, single submitter. Criteria: CeGaT Center For Human Genetics Tuebingen Variant Classification Criteria Version 2. Collection method: clinical testing. Allele origin: germline. Affected: yes. Observed: 1 variant allele.
Comment: DNAJC12: BP4, BP7

Labcorp Genetics (formerly Invitae), Labcorp
Classification: Likely benign. Last evaluated: 2026-01-02. Review status: criteria provided, single submitter. Criteria: Invitae Variant Classification Sherloc (09022015). Collection method: clinical testing. Allele origin: germline.

Blueprint Genetics
Classification: Likely benign. Last evaluated: 2024-03-05. Review status: criteria provided, single submitter. Criteria: ACMG Guidelines, 2015. Collection method: clinical testing. Allele origin: germline.

NM_021800.3(DNAJC12):c.297+12G>A

Gene: DNAJC12 (DnaJ heat shock protein family (Hsp40) member C12; minus strand). Cytogenetic location: 10q21.3.
Variant type: single nucleotide variant.
Coding change: c.297+12G>A on transcript NM_021800.3 (MANE Select); 12 bases into the intron after coding-DNA position 297, G replaced by A.
Molecular consequence: intron variant. On other transcripts: synonymous variant (1).
Genome position (GRCh38, 1-based): chr10:67,811,512, C>T on the plus strand (G>A on the coding strand, the complement: DNAJC12 is on the minus strand). VCF-style: chr10-67811512-C-T. GRCh37 (hg19) VCF-style: chr10-69571270-C-T.
Other names: c.309G>A, p.Ser103= (NM_201262.2).
Identifiers: ClinVar variation 1897576 (VCV001897576.7), dbSNP rs746006867, ClinGen allele CA5520851.